The following is an entry in ClinVar:

NM_005236.3(ERCC4):c.2634_2637del (p.Leu879fs)

Gene: ERCC4 (ERCC excision repair 4, endonuclease catalytic subunit; plus strand). Cytogenetic location: 16p13.12.
Variant type: Deletion.
Coding change: c.2634_2637del on transcript NM_005236.3 (MANE Select); coding-DNA positions 2634 to 2637, 4 bases deleted (CCTG; older notation c.2634_2637delCCTG).
Protein change: p.Leu879fs; shifts the reading frame from leucine 879.
Molecular consequence: frameshift variant.
Genome position (GRCh38, 1-based): chr16:13,948,230-13,948,233, CCTG deleted. VCF-style (leftmost placement, unchanged base first): chr16-13948229-CCCTG-C. GRCh37 (hg19) VCF-style: chr16-14042086-CCCTG-C.
Other names: short protein forms L879fs.
Identifiers: ClinVar variation 2949822 (VCV002949822.3), dbSNP rs1230954687, ClinGen allele CA718306243.

ClinVar aggregate classification (germline): Uncertain significance (1 of 4 stars; one submission).

Conditions:
Xeroderma pigmentosum, group F (XPF). Also called: XERODERMA PIGMENTOSUM, COMPLEMENTATION GROUP F; XERODERMA PIGMENTOSUM VI; XP, GROUP F; ERCC4-Related Xeroderma Pigmentosum; XERODERMA PIGMENTOSUM, TYPE F; Xeroderma pigmentosum, type 6. Identifiers: MedGen C0268140, MONDO:0010215, OMIM 278760.
Fanconi anemia complementation group Q. Identifiers: Orphanet 84, MedGen C3808988, MONDO:0014108, OMIM 615272.
Cockayne syndrome. Identifiers: Orphanet 191, MedGen C0009207, MONDO:0016006.

Allele frequency attached by ClinVar (database versions not stated): gnomAD 0.00001; TOPMed 0.00001.

Submission:

Labcorp Genetics (formerly Invitae), Labcorp
Classification: Uncertain significance for Fanconi anemia complementation group Q; Xeroderma pigmentosum, group F; Cockayne syndrome. Last evaluated: 2023-04-28. Review status: criteria provided, single submitter. Criteria: Invitae Variant Classification Sherloc (09022015). Collection method: clinical testing. Allele origin: germline.
Comment: In summary, the available evidence is currently insufficient to determine the role of this variant in disease. Therefore, it has been classified as a Variant of Uncertain Significance. This variant has not been reported in the literature in individuals affected with ERCC4-related conditions. This variant is not present in population databases (gnomAD no frequency). This sequence change results in a frameshift in the ERCC4 gene (p.Leu879Hisfs*40). While this is not anticipated to result in nonsense mediated decay, it is expected to disrupt the last 38 amino acid(s) of the ERCC4 protein and extend the protein by 1 additional amino acid residues.